The following is an entry in ClinVar:

NM_005159.5(ACTC1):c.178G>A (p.Ala60Thr)

Genes: ACTC1 (actin alpha cardiac muscle 1; minus strand), GJD2-DT (GJD2 divergent transcript; plus strand). Cytogenetic location: 15q14.
Variant type: single nucleotide variant.
Coding change: c.178G>A on transcript NM_005159.5 (MANE Select); coding-DNA position 178, G replaced by A.
Protein change: p.Ala60Thr; replaces alanine 60 with threonine.
Molecular consequence: missense variant.
Genome position (GRCh38, 1-based): chr15:34,793,521, C>T on the plus strand (G>A on the coding strand, the complement: ACTC1 is on the minus strand). VCF-style: chr15-34793521-C-T. GRCh37 (hg19) VCF-style: chr15-35085722-C-T.
Other names: c.178G>A (LRG_388t1); short protein forms A60T.
Identifiers: ClinVar variation 538805 (VCV000538805.11), dbSNP rs1555418912, ClinGen allele CA391632082.

ClinVar aggregate classification (germline): Uncertain significance. Review status: criteria provided, multiple submitters, no conflicts (2 of 4 stars). 3 submissions from 3 submitters: Uncertain significance (3). Last evaluated 2025-09-12.

Conditions:
Cardiomyopathy (CMYO). Also called: Cardiomyopathies. Identifiers: Orphanet 167848, MedGen C0878544, MONDO:0004994, HP:0001638. Inheritance: Various modes of inheritance.
Atrial septal defect 5 (ASD5). Identifiers: Orphanet 1478, MedGen C2748552, MONDO:0013011, OMIM 612794.
Dilated cardiomyopathy 1R (CMD1R). Identifiers: Orphanet 154, Orphanet 54260, MedGen C3150681, MONDO:0013261, OMIM 613424.
Hypertrophic cardiomyopathy 11. Also called: ACTC1-Related Familial Hypertrophic Cardiomyopathy. Identifiers: MedGen C2677506, MONDO:0012799, OMIM 612098.
Hypertrophic cardiomyopathy. Also called: HYPERTROPHIC MYOCARDIOPATHY. Identifiers: Orphanet 217569, MedGen C0007194, MeSH D002312, MONDO:0005045, HP:0001639.

Submissions (3):

Labcorp Genetics (formerly Invitae), Labcorp
Classification: Uncertain significance for Dilated cardiomyopathy 1R; Hypertrophic cardiomyopathy 11; Atrial septal defect 5. Last evaluated: 2025-09-12. Review status: criteria provided, single submitter. Criteria: Invitae Variant Classification Sherloc (09022015). Collection method: clinical testing. Allele origin: germline.
Comment: This sequence change replaces alanine, which is neutral and non-polar, with threonine, which is neutral and polar, at codon 60 of the ACTC1 protein (p.Ala60Thr). This variant is not present in population databases (gnomAD no frequency). This variant has not been reported in the literature in individuals affected with ACTC1-related conditions. ClinVar contains an entry for this variant (Variation ID: 538805). Invitae Evidence Modeling of protein sequence and biophysical properties (such as structural, functional, and spatial information, amino acid conservation, physicochemical variation, residue mobility, and thermodynamic stability) has been performed for this missense variant. However, the output from this modeling did not meet the statistical confidence thresholds required to predict the impact of this variant on ACTC1 protein function. In summary, the available evidence is currently insufficient to determine the role of this variant in disease. Therefore, it has been classified as a Variant of Uncertain Significance.

All of Us Research Program, National Institutes of Health
Classification: Uncertain significance for Hypertrophic cardiomyopathy. Last evaluated: 2023-08-08. Review status: criteria provided, single submitter. Criteria: ACMG Guidelines, 2015. Collection method: clinical testing. Allele origin: germline. Inheritance: Autosomal dominant inheritance. Observed: 1 variant allele, 1 heterozygote.
Comment: This missense variant replaces alanine with threonine at codon 60 of the ACTC1 protein. Computational prediction suggests that this variant may have deleterious impact on protein structure and function (internally defined REVEL score threshold >= 0.7, PMID: 27666373). To our knowledge, functional studies have not been reported for this variant. This variant has not been reported in individuals affected with ACTC1-related disorders in the literature. This variant has not been identified in the general population by the Genome Aggregation Database (gnomAD). The available evidence is insufficient to determine the role of this variant in disease conclusively. Therefore, this variant is classified as a Variant of Uncertain Significance.

This study involves interpretation of variants in research participants for the purpose of population health screening. Participant phenotype was not available at the time of variant classification. Additional details can be found in publication PMID: 35346344, PMCID: PMC8962531

CHEO Genetics Diagnostic Laboratory, Children's Hospital of Eastern Ontario
Classification: Uncertain significance for Cardiomyopathy. Last evaluated: 2017-10-30. Review status: criteria provided, single submitter. Criteria: ACMG Guidelines, 2015. Collection method: clinical testing. Allele origin: germline. Study: Canadian Open Genetics Repository.